The following is an entry in ClinVar:

ClinVar aggregate classification (germline): Likely pathogenic (1 of 4 stars; one submission).

Conditions:
Peroxisome biogenesis disorder. Identifiers: Orphanet 79189, MedGen C1832200, MONDO:0019234. Disease mechanism: loss of function.

Submission:

Myriad Genetics, Inc.
Classification: Likely pathogenic for Peroxisome biogenesis disorder. Last evaluated: 2022-05-18. Review status: criteria provided, single submitter. Criteria: Myriad Autosomal Dominant, Autosomal Recessive and X-Linked Classification Criteria (2023). Collection method: clinical testing. Allele origin: unknown.
Comment: NM_000466.2(PEX1):c.1696_1697delTC(S566Lfs*25) is expected to be pathogenic in the context of peroxisome biogenesis disorder type 1. This variant is predicted to lead to an abnormal or absent protein product due to the creation of a premature termination codon in PEX1, a gene where loss-of-function variants are known to be pathogenic. Please note: this variant was assessed in the context of healthy population screening.

NM_000466.3(PEX1):c.1696_1697del (p.Ser566fs)

Gene: PEX1 (peroxisomal biogenesis factor 1; minus strand). Cytogenetic location: 7q21.2.
Variant type: Deletion.
Coding change: c.1696_1697del on transcript NM_000466.3 (MANE Select); coding-DNA positions 1696 to 1697, 2 bases deleted (TC; older notation c.1696_1697delTC).
Protein change: p.Ser566fs; shifts the reading frame from serine 566.
Molecular consequence: frameshift variant.
Genome position (GRCh38, 1-based): chr7:92,507,100-92,507,101, GA deleted on the plus strand (TC on the coding strand, the reverse complement: PEX1 is on the minus strand); deleting any 2 consecutive bases within chr7:92,507,100-92,507,102 gives the same sequence; the c. name uses the placement nearest the transcript's 3' end. VCF-style (leftmost placement, unchanged base first): chr7-92507099-GGA-G. GRCh37 (hg19) VCF-style: chr7-92136413-GGA-G.
Other names: c.1696_1697del, p.Ser566fs (NM_001282677.2); c.1072_1073del, p.Ser358fs (NM_001282678.2); short protein forms S358fs, S566fs.
Identifiers: ClinVar variation 1726128 (VCV001726128.3), dbSNP rs2484676547, ClinGen allele CA2580077843.